The following is an entry in ClinVar:

NM_000297.4(PKD2):c.*1120C>T

Gene: PKD2 (polycystin 2, transient receptor potential cation channel; plus strand). Cytogenetic location: 4q22.1.
Variant type: single nucleotide variant.
Coding change: c.*1120C>T on transcript NM_000297.4 (MANE Select); 1120 bases downstream of the stop codon, C replaced by T.
Molecular consequence: 3 prime UTR variant. On other transcripts: non-coding transcript variant (1).
Genome position (GRCh38, 1-based): chr4:88,076,814, C>T. VCF-style: chr4-88076814-C-T. GRCh37 (hg19) VCF-style: chr4-88997966-C-T.
Identifiers: ClinVar variation 906422 (VCV000906422.31), dbSNP rs116540621, ClinGen allele CA100895683.

ClinVar aggregate classification (germline): Benign/Likely benign. Review status: criteria provided, multiple submitters, no conflicts (2 of 4 stars). 2 submissions from 2 submitters: Benign (1); Likely benign (1). Last evaluated 2023-07-01.

Conditions:
Polycystic kidney disease 2 (PKD2). Also called: Polycystic Kidney Disease 2, Autosomal Dominant; POLYCYSTIC KIDNEY DISEASE 2 WITH OR WITHOUT POLYCYSTIC LIVER DISEASE; POLYCYSTIC KIDNEY DISEASE, ADULT, TYPE II. Identifiers: MedGen C2751306, MONDO:0013131, OMIM 613095.

Allele frequency attached by ClinVar (database versions not stated): 1000 Genomes Project 30x 0.00390; 1000 Genomes Project 0.00399; TOPMed 0.00609; gnomAD 0.00771 and 0.00805.

Submissions (2):

CeGaT Center for Human Genetics Tuebingen
Classification: Benign. Last evaluated: 2023-07-01. Review status: criteria provided, single submitter. Criteria: CeGaT Center For Human Genetics Tuebingen Variant Classification Criteria Version 2. Collection method: clinical testing. Allele origin: germline. Affected: yes. Observed: 6 variant alleles.
Comment: PKD2: BS1, BS2

Illumina Laboratory Services, Illumina
Classification: Likely benign for Polycystic kidney disease 2. Last evaluated: 2018-01-13. Review status: criteria provided, single submitter. Criteria: ICSL Variant Classification Criteria 13 December 2019. Collection method: clinical testing. Allele origin: germline.
Comment: This variant was observed in the ICSL laboratory as part of a predisposition screen in an ostensibly healthy population. It had not been previously curated by ICSL or reported in the Human Gene Mutation Database (HGMD: prior to June 1st, 2018), and was therefore a candidate for classification through an automated scoring system. Utilizing variant allele frequency, disease prevalence and penetrance estimates, and inheritance mode, an automated score was calculated to assess if this variant is too frequent to cause the disease. Based on the score and internal cut-off values, a variant classified as likely benign is not then subjected to further curation. The score for this variant resulted in a classification of likely benign for this disease.